The following is an entry in ClinVar:

NM_001709.5(BDNF):c.189C>T (p.Phe63=)

Genes: BDNF (brain derived neurotrophic factor; minus strand), BDNF-AS (BDNF antisense RNA; plus strand). Cytogenetic location: 11p14.1.
Variant type: single nucleotide variant.
Coding change: c.189C>T on transcript NM_001709.5 (MANE Select); coding-DNA position 189, C replaced by T.
Protein change: p.Phe63=; no amino-acid change (phenylalanine 63 retained).
Molecular consequence: synonymous variant. On other transcripts: non-coding transcript variant (5).
Genome position (GRCh38, 1-based): chr11:27,658,376, G>A on the plus strand (C>T on the coding strand, the complement: BDNF is on the minus strand). VCF-style: chr11-27658376-G-A. GRCh37 (hg19) VCF-style: chr11-27679923-G-A.
Other names: c.189C>T, p.Phe63= (NM_001143805.1, NM_001143806.1, NM_001143807.2 and 9 more transcripts); c.276C>T, p.Phe92= (NM_001143809.2); c.435C>T, p.Phe145= (NM_001143810.2); c.213C>T, p.Phe71= (NM_170731.5); c.234C>T, p.Phe78= (NM_170734.4).
Identifiers: ClinVar variation 4994764 (VCV004994764.1).

ClinVar aggregate classification (germline): Likely benign (1 of 4 stars; one submission).

Conditions:
BDNF-related disorder. Also called: BDNF-related condition.

gnomAD v4.1: 11 of 1,614,144 alleles (0.00068%); highest among the groups gnomAD compares: South Asian, 0.0033%; no homozygotes.

Submission:

PreventionGenetics, part of Exact Sciences
Classification: Likely benign for BDNF-related condition. Last evaluated: 2024-12-02. Review status: criteria provided, single submitter. Criteria: ACMG Guidelines, 2015. Collection method: clinical testing. Allele origin: germline.
Comment: This variant is classified as likely benign based on ACMG/AMP sequence variant interpretation guidelines (Richards et al. 2015 PMID: 25741868, with internal and published modifications).